The following is an entry in ClinVar:

ClinVar aggregate classification (germline): Benign (1 of 4 stars; one submission).

Conditions:
Vitamin K-dependent clotting factors, combined deficiency of, type 1. Also called: FACTORS II, VII, IX, AND X, COMBINED DEFICIENCY OF; FAMILIAL MULTIPLE COAGULATION FACTOR DEFICIENCY III; FMFD III; GLUTAMIC ACID, DEFICIENT GAMMA-CARBOXYLATION OF; MULTIPLE COAGULATION FACTOR DEFICIENCY III; VITAMIN K-DEPENDENT COAGULATION DEFECT. Identifiers: Orphanet 98434, MedGen C1848534, MONDO:0010187, OMIM 277450.

Allele frequency attached by ClinVar (database versions not stated): 1000 Genomes Project 0.02616; gnomAD 0.02753 and 0.02953; 1000 Genomes Project 30x 0.02826; TOPMed 0.03106.

Submission:

Illumina Laboratory Services, Illumina
Classification: Benign for Vitamin K-dependent clotting factors, combined deficiency of, type 1. Last evaluated: 2018-01-12. Review status: criteria provided, single submitter. Criteria: ICSL Variant Classification Criteria 13 December 2019. Collection method: clinical testing. Allele origin: germline.
Comment: This variant was observed in the ICSL laboratory as part of a predisposition screen in an ostensibly healthy population. It had not been previously curated by ICSL or reported in the Human Gene Mutation Database (HGMD: prior to June 1st, 2018), and was therefore a candidate for classification through an automated scoring system. Utilizing variant allele frequency, disease prevalence and penetrance estimates, and inheritance mode, an automated score was calculated to assess if this variant is too frequent to cause the disease. Based on the score and internal cut-off values, a variant classified as benign is not then subjected to further curation. The score for this variant resulted in a classification of benign for this disease.

NM_000821.7(GGCX):c.*902T>C

Gene: GGCX (gamma-glutamyl carboxylase; minus strand). Cytogenetic location: 2p11.2.
Variant type: single nucleotide variant.
Coding change: c.*902T>C on transcript NM_000821.7 (MANE Select); 902 bases downstream of the stop codon, T replaced by C.
Molecular consequence: 3 prime UTR variant.
Genome position (GRCh38, 1-based): chr2:85,549,032, A>G on the plus strand (T>C on the coding strand, the complement: GGCX is on the minus strand). VCF-style: chr2-85549032-A-G. GRCh37 (hg19) VCF-style: chr2-85776155-A-G.
Other names: c.*902T>C (NM_001142269.4).
Identifiers: ClinVar variation 337234 (VCV000337234.5), dbSNP rs6723678, ClinGen allele CA10614518.
Genomic context (GRCh38, chr2:85,549,032, plus strand): 5'-CTGCTAGTGAAACACTGGGTGTATATAGATAATAGGAACAAAGAAGGAACCAAAATTGCA[A>G]TGAAGATAAATTACTTTGTGTGCATTTACAACCTGACCACCATCCAATTATACTTTTAAT-3'